The following is an entry in ClinVar:

ClinVar aggregate classification (germline): Uncertain significance (1 of 4 stars; one submission).

Submission:

Labcorp Genetics (formerly Invitae), Labcorp
Classification: Uncertain significance. Last evaluated: 2022-07-06. Review status: criteria provided, single submitter. Criteria: Invitae Variant Classification Sherloc (09022015). Collection method: clinical testing. Allele origin: germline.
Comment: This sequence change replaces alanine, which is neutral and non-polar, with valine, which is neutral and non-polar, at codon 817 of the ADAMTS10 protein (p.Ala817Val). In summary, the available evidence is currently insufficient to determine the role of this variant in disease. Therefore, it has been classified as a Variant of Uncertain Significance. Algorithms developed to predict the effect of missense changes on protein structure and function are either unavailable or do not agree on the potential impact of this missense change (SIFT: "Deleterious"; PolyPhen-2: "Benign"; Align-GVGD: "Class C25"). This variant has not been reported in the literature in individuals affected with ADAMTS10-related conditions. This variant is not present in population databases (gnomAD no frequency).

NM_030957.4(ADAMTS10):c.2450C>T (p.Ala817Val)

Gene: ADAMTS10 (ADAM metallopeptidase with thrombospondin type 1 motif 10; minus strand). Cytogenetic location: 19p13.2.
Variant type: single nucleotide variant.
Coding change: c.2450C>T on transcript NM_030957.4 (MANE Select); coding-DNA position 2450, C replaced by T.
Protein change: p.Ala817Val; replaces alanine 817 with valine.
Molecular consequence: missense variant.
Genome position (GRCh38, 1-based): chr19:8,586,424, G>A on the plus strand (C>T on the coding strand, the complement: ADAMTS10 is on the minus strand). VCF-style: chr19-8586424-G-A. GRCh37 (hg19) VCF-style: chr19-8651308-G-A.
Other names: c.911C>T, p.Ala304Val (NM_001282352.2); short protein forms A817V, A304V.
Identifiers: ClinVar variation 1929622 (VCV001929622.3), dbSNP rs2512580911, ClinGen allele CA403749763.